The following is an entry in ClinVar:

ClinVar aggregate classification (germline): Uncertain significance (1 of 4 stars; one submission).

Conditions:
Acrocallosal syndrome (ACLS). Also called: HALLUX DUPLICATION, POSTAXIAL POLYDACTYLY, AND ABSENCE OF CORPUS CALLOSUM; Schinzel syndrome 1; Absence of corpus callosum with unusual facial appearance, mental deficiency, duplication of the halluces and polydactyly. Identifiers: Orphanet 36, MedGen C0796147, MONDO:0008708, OMIM 200990.

gnomAD v4.1: 1 of 1,534,244 alleles (0.000065%); highest among the groups gnomAD compares: Non-Finnish European, 0.000088%; no homozygotes.

Submission:

Labcorp Genetics (formerly Invitae), Labcorp
Classification: Uncertain significance for Acrocallosal syndrome. Last evaluated: 2022-01-21. Review status: criteria provided, single submitter. Criteria: Invitae Variant Classification Sherloc (09022015). Collection method: clinical testing. Allele origin: germline.
Comment: Algorithms developed to predict the effect of sequence changes on RNA splicing suggest that this variant may create or strengthen a splice site. This sequence change replaces arginine, which is basic and polar, with serine, which is neutral and polar, at codon 216 of the KIF7 protein (p.Arg216Ser). This variant is not present in population databases (gnomAD no frequency). This variant has not been reported in the literature in individuals affected with KIF7-related conditions. Algorithms developed to predict the effect of missense changes on protein structure and function are either unavailable or do not agree on the potential impact of this missense change (SIFT: "Deleterious"; PolyPhen-2: "Possibly Damaging"; Align-GVGD: "Class C0"). In summary, the available evidence is currently insufficient to determine the role of this variant in disease. Therefore, it has been classified as a Variant of Uncertain Significance.

NM_198525.3(KIF7):c.646C>A (p.Arg216Ser)

Gene: KIF7 (kinesin family member 7; minus strand). Cytogenetic location: 15q26.1.
Variant type: single nucleotide variant.
Coding change: c.646C>A on transcript NM_198525.3 (MANE Select); coding-DNA position 646, C replaced by A.
Protein change: p.Arg216Ser; replaces arginine 216 with serine.
Molecular consequence: missense variant.
Genome position (GRCh38, 1-based): chr15:89,649,251, G>T on the plus strand (C>A on the coding strand, the complement: KIF7 is on the minus strand). VCF-style: chr15-89649251-G-T. GRCh37 (hg19) VCF-style: chr15-90192482-G-T.
Other names: short protein forms R216S.
Identifiers: ClinVar variation 2088874 (VCV002088874.4), dbSNP rs1373212168, ClinGen allele CA393775816.
Genomic context (GRCh38, chr15:89,649,251, plus strand): 5'-GTAGGCGGCTGGGGGCGCGCCCCCGCTGCTCCAGGGTCACGGTGAAGACCGTGTGTGAGC[G>T]GCTAGACAGGTGGTTGAGGTGCGTGGCTCCCGTGTGCCGCGCCGCGTTGCCCATCTCCAG-3'
Protein context (NP_940927.2, residues 206-226): GATHLNHLSS[Arg216Ser]SHTVFTVTLE